The following is an entry in ClinVar:

NM_001099271.2(POC5):c.1457_1459dup (p.Ile486_Thr487insIle)

Gene: POC5 (POC5 centriolar protein; minus strand). Cytogenetic location: 5q13.3.
Variant type: Duplication.
Coding change: c.1457_1459dup on transcript NM_001099271.2 (MANE Select); coding-DNA positions 1457 to 1459, 3 bases duplicated (TTA; older notation c.1457_1459dupTTA).
Protein change: p.Ile486_Thr487insIle.
Molecular consequence: inframe insertion.
Genome position (GRCh38, 1-based): chr5:75,677,899-75,677,901, TAA duplicated on the plus strand (TTA on the coding strand, the reverse complement: POC5 is on the minus strand); duplicating any 3 consecutive bases within chr5:75,677,899-75,677,903 gives the same sequence; the c. name uses the placement nearest the transcript's 3' end. VCF-style (leftmost placement, unchanged base first): chr5-75677898-G-GTAA. GRCh37 (hg19) VCF-style: chr5-74973723-G-GTAA.
Other names: c.1382_1384dup, p.Ile461_Thr462insIle (NM_152408.3).
Identifiers: ClinVar variation 2858583 (VCV002858583.3), dbSNP rs2478757735, ClinGen allele CA2739274770.
Genomic context (GRCh38, chr5:75,677,898, plus strand): 5'-GCTAAACTGCTGCTAATTCTATTTTTTGAAGCAAAATCACATCTTCCTGTGATCCGGGCT[G>GTAA]TAATAGTTCTTCCTGCTTTCTGTTGTGCAGAGGTTACAACTCTTGGCACATACTAAGAAG-3'

ClinVar aggregate classification (germline): Uncertain significance (1 of 4 stars; one submission).

Submission:

Labcorp Genetics (formerly Invitae), Labcorp
Classification: Uncertain significance. Last evaluated: 2023-04-23. Review status: criteria provided, single submitter. Criteria: Invitae Variant Classification Sherloc (09022015). Collection method: clinical testing. Allele origin: germline.
Comment: This variant, c.1457_1459dup, results in the insertion of 1 amino acid(s) of the POC5 protein (p.Ile486dup), but otherwise preserves the integrity of the reading frame. In summary, the available evidence is currently insufficient to determine the role of this variant in disease. Therefore, it has been classified as a Variant of Uncertain Significance. This variant has not been reported in the literature in individuals affected with POC5-related conditions. This variant is not present in population databases (gnomAD no frequency).